The following is an entry in ClinVar:

NM_003001.5(SDHC):c.375G>A (p.Met125Ile)

Gene: SDHC (succinate dehydrogenase complex subunit C; plus strand). Cytogenetic location: 1q23.3.
Variant type: single nucleotide variant.
Coding change: c.375G>A on transcript NM_003001.5 (MANE Select); coding-DNA position 375, G replaced by A.
Protein change: p.Met125Ile; replaces methionine 125 with isoleucine.
Molecular consequence: missense variant. On other transcripts: non-coding transcript variant (1), intron variant (3).
Genome position (GRCh38, 1-based): chr1:161,356,810, G>A. VCF-style: chr1-161356810-G-A. GRCh37 (hg19) VCF-style: chr1-161326600-G-A.
Other names: c.273G>A, p.Met91Ile (NM_001035512.3); c.216G>A, p.Met72Ile (NM_001035513.3); c.495G>A, p.Met165Ile (NM_001407115.1); c.318G>A, p.Met106Ile (NM_001407116.1); c.312G>A, p.Met104Ile (NM_001407117.1); c.267G>A, p.Met89Ile (NM_001407118.1); c.264G>A, p.Met88Ile (NM_001407119.1, NM_001407120.1); c.242-5519G>A (NM_001035511.3); and 2 more; short protein forms M106I, M165I, M88I, M91I, M104I, M125I, M72I, M89I.
Identifiers: ClinVar variation 2939412 (VCV002939412.3), dbSNP rs1260873914, ClinGen allele CA343456664.
Genomic context (GRCh38, chr1:161,356,810, plus strand): 5'-CCTGTGTCTGGGGCCAGCACTGATCCACACAGCTAAGTTTGCACTTGTCTTCCCTCTCAT[G>A]TATCATACCTGGAATGGGATCCGACACTTGGTAAGTTAATTCGGGATTTGCACATTTTCT-3'
Protein context (NP_002992.1, residues 115-135): TAKFALVFPL[Met125Ile]YHTWNGIRHL

ClinVar aggregate classification (germline): Uncertain significance (1 of 4 stars; one submission).

Conditions:
Gastrointestinal stromal tumor. Also called: Gastrointestinal stromal tumor, somatic; Gastrointestinal stroma tumor. Identifiers: Orphanet 44890, MedGen C0238198, MeSH D046152, MONDO:0011719, OMIM 606764, HP:0100723.
Pheochromocytoma/paraganglioma syndrome 3. Also called: GLOMUS TUMORS, FAMILIAL, 3; Paragangliomas 3; SDHC-Related Hereditary Paraganglioma-Pheochromocytoma Syndrome (Paragangliomas 3); SDHC-Related Hereditary Paraganglioma-Pheochromocytoma Syndrome. Identifiers: Orphanet 29072, MedGen C1854336, MONDO:0011544, OMIM 605373.

Allele frequency attached by ClinVar (database versions not stated): gnomAD exomes below 0.00001; TOPMed below 0.00001; gnomAD 0.00001.

Submission:

Labcorp Genetics (formerly Invitae), Labcorp
Classification: Uncertain significance for Pheochromocytoma/paraganglioma syndrome 3; Gastrointestinal stromal tumor. Last evaluated: 2025-06-09. Review status: criteria provided, single submitter. Criteria: Invitae Variant Classification Sherloc (09022015). Collection method: clinical testing. Allele origin: germline.
Comment: This sequence change replaces methionine, which is neutral and non-polar, with isoleucine, which is neutral and non-polar, at codon 125 of the SDHC protein (p.Met125Ile). This variant is not present in population databases (gnomAD no frequency). This variant has not been reported in the literature in individuals affected with SDHC-related conditions. ClinVar contains an entry for this variant (Variation ID: 2939412). An algorithm developed to predict the effect of missense changes on protein structure and function (PolyPhen-2) suggests that this variant is likely to be tolerated. In summary, the available evidence is currently insufficient to determine the role of this variant in disease. Therefore, it has been classified as a Variant of Uncertain Significance.